The following is an entry in ClinVar:

ClinVar aggregate classification (germline): Benign/Likely benign. Review status: criteria provided, multiple submitters, no conflicts (2 of 4 stars). 9 submissions from 9 submitters: Benign (2); Likely benign (7). Last evaluated 2026-04-21.

Conditions:
Cardiovascular phenotype. Identifiers: MedGen CN230736.
Ehlers-Danlos syndrome (EDS). Identifiers: Orphanet 98249, MedGen C0013720, MONDO:0020066.

Allele frequency attached by ClinVar (database versions not stated): gnomAD 0.00024 and 0.00041; ESP Exome Variant Server 0.00025; TOPMed 0.00029; 1000 Genomes Project 0.00040; 1000 Genomes Project 30x 0.00047; gnomAD exomes 0.00083 and 0.00124; ExAC 0.00140.
gnomAD v4.1: 1,275 of 1,606,008 alleles (0.079%); highest among the groups gnomAD compares: South Asian, 0.75%; 11 homozygotes.

Submissions (9):

Women's Health and Genetics/Laboratory Corporation of America, LabCorp
Classification: Likely benign. Last evaluated: 2026-04-21. Review status: criteria provided, single submitter. Criteria: LabCorp Variant Classification Summary - May 2015. Collection method: clinical testing. Allele origin: germline.
Comment: Variant summary: TNXB c.2485G>A (p.Gly829Ser) results in a non-conservative amino acid change in the encoded protein sequence. Algorithms developed to predict the effect of missense changes on protein structure and function are either unavailable or do not agree on the potential impact of this missense change. The variant allele was found at a frequency of 0.0012 in 247282 control chromosomes, predominantly at a frequency of 0.0077 within the South Asian subpopulation in the gnomAD database, including 2 homozygotes. The observed variant frequency within South Asian control individuals in the gnomAD database exceeds the estimated maximal expected allele frequency for disease-causing variants in TNXB. To our knowledge, no occurrence of c.2485G>A in individuals affected with TNXB-related conditions and no experimental evidence demonstrating its impact on protein function have been reported. ClinVar contains an entry for this variant (Variation ID: 1279668). Based on the evidence outlined above, the variant was classified as likely benign.

CeGaT Center for Human Genetics Tuebingen
Classification: Likely benign. Last evaluated: 2026-04-01. Review status: criteria provided, single submitter. Criteria: CeGaT Center For Human Genetics Tuebingen Variant Classification Criteria Version 2. Collection method: clinical testing. Allele origin: germline. Affected: yes. Observed: 7 variant alleles.
Comment: TNXB: BS2

Labcorp Genetics (formerly Invitae), Labcorp
Classification: Benign. Last evaluated: 2026-01-24. Review status: criteria provided, single submitter. Criteria: Invitae Variant Classification Sherloc (09022015). Collection method: clinical testing. Allele origin: germline.

Mayo Clinic Laboratories, Mayo Clinic
Classification: Likely benign. Last evaluated: 2025-10-20. Review status: criteria provided, single submitter. Criteria: ACMG Guidelines, 2015. Collection method: clinical testing. Allele origin: germline. Observed: 5 variant alleles.
Comment: BS1

Blueprint Genetics
Classification: Likely benign. Last evaluated: 2024-11-08. Review status: criteria provided, single submitter. Criteria: ACMG Guidelines, 2015. Collection method: clinical testing. Allele origin: germline.

Ambry Genetics
Classification: Likely benign for Cardiovascular phenotype. Last evaluated: 2023-01-08. Review status: criteria provided, single submitter. Criteria: Ambry Variant Classification Scheme 2023. Collection method: clinical testing. Allele origin: germline.

GeneDx
Classification: Benign. Last evaluated: 2021-03-19. Review status: criteria provided, single submitter. Criteria: GeneDx Variant Classification Process June 2021. Collection method: clinical testing. Allele origin: germline. Affected: yes.

Genome Diagnostics Laboratory, The Hospital for Sick Children
Classification: Likely benign for Ehlers-Danlos syndrome. Last evaluated: 2020-03-01. Review status: criteria provided, single submitter. Criteria: ACMG Guidelines, 2015. Collection method: clinical testing. Allele origin: germline.

Breakthrough Genomics
Classification: Likely benign. Review status: criteria provided, single submitter. Criteria: ACMG Guidelines, 2015. Collection method: not provided. Allele origin: germline. Inheritance: Autosomal recessive inheritance. Affected: yes.

Literature cited by the submitters: PubMed 29590070 (cited by Ambry Genetics).

NM_001365276.2(TNXB):c.2485G>A (p.Gly829Ser)

Gene: TNXB (tenascin XB; minus strand). Cytogenetic location: 6p21.33.
Variant type: single nucleotide variant.
Coding change: c.2485G>A on transcript NM_001365276.2 (MANE Select); coding-DNA position 2485, G replaced by A.
Protein change: p.Gly829Ser; replaces glycine 829 with serine.
Molecular consequence: missense variant.
Genome position (GRCh38, 1-based): chr6:32,089,253, C>T on the plus strand (G>A on the coding strand, the complement: TNXB is on the minus strand). VCF-style: chr6-32089253-C-T. GRCh37 (hg19) VCF-style: chr6-32057030-C-T.
Other names: p.Gly829Ser; c.2485G>A, p.Gly829Ser (NM_019105.8); short protein forms G829S.
Identifiers: ClinVar variation 1279668 (VCV001279668.47), dbSNP rs147172260, ClinGen allele CA3735471.